The following is an entry in ClinVar:

NM_001942.4(DSG1):c.467T>G (p.Val156Gly)

Gene: DSG1 (desmoglein 1; plus strand). Cytogenetic location: 18q12.1.
Variant type: single nucleotide variant.
Coding change: c.467T>G on transcript NM_001942.4 (MANE Select); coding-DNA position 467, T replaced by G.
Protein change: p.Val156Gly; replaces valine 156 with glycine.
Molecular consequence: missense variant.
Genome position (GRCh38, 1-based): chr18:31,329,986, T>G. VCF-style: chr18-31329986-T-G. GRCh37 (hg19) VCF-style: chr18-28909949-T-G.
Other names: short protein forms V156G.
Identifiers: ClinVar variation 3647197 (VCV003647197.2).

ClinVar aggregate classification (germline): Uncertain significance (1 of 4 stars; one submission).

gnomAD v4.1: 2 of 1,613,332 alleles (0.00012%); highest among the groups gnomAD compares: Non-Finnish European, 0.00017%; no homozygotes.

Submission:

Labcorp Genetics (formerly Invitae), Labcorp
Classification: Uncertain significance. Last evaluated: 2024-03-21. Review status: criteria provided, single submitter. Criteria: Invitae Variant Classification Sherloc (09022015). Collection method: clinical testing. Allele origin: germline.
Comment: This sequence change replaces valine, which is neutral and non-polar, with glycine, which is neutral and non-polar, at codon 156 of the DSG1 protein (p.Val156Gly). This variant is not present in population databases (gnomAD no frequency). This variant has not been reported in the literature in individuals affected with DSG1-related conditions. Advanced modeling of protein sequence and biophysical properties (such as structural, functional, and spatial information, amino acid conservation, physicochemical variation, residue mobility, and thermodynamic stability) performed at Invitae indicates that this missense variant is not expected to disrupt DSG1 protein function with a negative predictive value of 80%. In summary, the available evidence is currently insufficient to determine the role of this variant in disease. Therefore, it has been classified as a Variant of Uncertain Significance.